The following is an entry in ClinVar:

ClinVar aggregate classification (germline): Uncertain significance (1 of 4 stars; one submission).

Conditions:
TTC21B-related disorder. Also called: TTC21B-related condition; TTC21B-related disorders.

Submission:

PreventionGenetics, part of Exact Sciences
Classification: Uncertain significance for TTC21B-related condition. Last evaluated: 2026-03-30. Review status: criteria provided, single submitter. Criteria: ACMG Guidelines, 2015. Collection method: clinical testing. Allele origin: germline.
Comment: The TTC21B c.180T>G variant is predicted to result in the amino acid substitution p.Phe60Leu. To our knowledge, this variant has not been reported in the literature or in a large population database (gnomAD), indicating this variant is rare. At this time, the clinical significance of this variant is uncertain due to the absence of conclusive functional and genetic evidence.

NM_024753.5(TTC21B):c.180T>G (p.Phe60Leu)

Gene: TTC21B (tetratricopeptide repeat domain 21B; minus strand). Cytogenetic location: 2q24.3.
Variant type: single nucleotide variant.
Coding change: c.180T>G on transcript NM_024753.5 (MANE Select); coding-DNA position 180, T replaced by G.
Protein change: p.Phe60Leu; replaces phenylalanine 60 with leucine.
Molecular consequence: missense variant.
Genome position (GRCh38, 1-based): chr2:165,949,476, A>C on the plus strand (T>G on the coding strand, the complement: TTC21B is on the minus strand). VCF-style: chr2-165949476-A-C. GRCh37 (hg19) VCF-style: chr2-166805986-A-C.
Other names: short protein forms F60L.
Identifiers: ClinVar variation 4994961 (VCV004994961.1).
Genomic context (GRCh38, chr2:165,949,476, plus strand): 5'-GGCATATATCAGTGCAAGTAGAGAACAAAGTGATACATCTTGTTTATTTTTAATAGCCTC[A>C]AATTCTCGAAGAGCTTCTTGAGTTTTACCTGAAAATCAAGATTATGATATGAAAAACTGT-3'
Protein context (NP_079029.3, residues 50-70): EGKTQEALRE[Phe60Leu]EAIKNKQDVS